The following is an entry in ClinVar:

NM_001999.4(FBN2):c.7912G>A (p.Gly2638Ser)

Gene: FBN2 (fibrillin 2; minus strand). Cytogenetic location: 5q23.3.
Variant type: single nucleotide variant.
Coding change: c.7912G>A on transcript NM_001999.4 (MANE Select); coding-DNA position 7912, G replaced by A.
Protein change: p.Gly2638Ser; replaces glycine 2638 with serine.
Molecular consequence: missense variant.
Genome position (GRCh38, 1-based): chr5:128,272,047, C>T on the plus strand (G>A on the coding strand, the complement: FBN2 is on the minus strand). VCF-style: chr5-128272047-C-T. GRCh37 (hg19) VCF-style: chr5-127607739-C-T.
Other names: short protein forms G2638S.
Identifiers: ClinVar variation 3055218 (VCV003055218.5), dbSNP rs565953623, ClinGen allele CA3393979.

ClinVar aggregate classification (germline): Conflicting classifications of pathogenicity. Review status: criteria provided, conflicting classifications (1 of 4 stars). 3 submissions from 3 submitters: Uncertain significance (1); Likely benign (1). 1 of the submissions does not count toward it. Last evaluated 2025-02-05.

Conditions:
FBN2-related disorder. Also called: FBN2-related condition.
Congenital contractural arachnodactyly (CCA). Also called: Arthrogryposis, distal, type 9; BEALS SYNDROME; Beals-Hecht syndrome. Identifiers: Orphanet 115, MedGen C0220668, MONDO:0007363, OMIM 121050.

Allele frequency attached by ClinVar (database versions not stated): gnomAD 0.00001; gnomAD exomes 0.00001; ExAC 0.00003; 1000 Genomes Project 30x 0.00016; 1000 Genomes Project 0.00020.
gnomAD v4.1: 14 of 1,613,986 alleles (0.00087%); highest among the groups gnomAD compares: South Asian, 0.014%; 1 homozygote.

Submissions (3):

Labcorp Genetics (formerly Invitae), Labcorp
Classification: Likely benign for Congenital contractural arachnodactyly. Last evaluated: 2025-02-05. Review status: criteria provided, single submitter. Criteria: Invitae Variant Classification Sherloc (09022015). Collection method: clinical testing. Allele origin: germline.

Neuberg Centre For Genomic Medicine, NCGM
Classification: Uncertain significance for Congenital contractural arachnodactyly. Review status: criteria provided, single submitter. Criteria: ACMG Guidelines, 2015. Collection method: clinical testing. Allele origin: germline. Inheritance: Autosomal dominant inheritance. Affected: yes.
Comment: The missense c.7912G>Ap.Gly2638Ser variant in FBN2 gene has not been reported previously as a pathogenic variant nor as a benign variant, to our knowledge. The variant is reported with an allele frequency of 0.001% in the gnomAD exomes database and is novel not in any individuals in 1000 Genomes database. This variant has not been reported to the ClinVar database. The amino acid change p.Gly2638Ser in FBN2 is predicted as conserved by GERP++ and PhyloP across 100 vertebrates. The amino acid Gly at position 2638 is changed to a Ser changing protein sequence and it might alter its composition and physico-chemical properties. For these reasons, this variant has been classified as Variant of Uncertain Significance VUS.

PreventionGenetics, part of Exact Sciences
Classification: Uncertain significance for FBN2-related condition. Last evaluated: 2024-02-26. Review status: no assertion criteria provided. Collection method: clinical testing. Allele origin: germline. Not counted in ClinVar's aggregate classification.
Comment: The FBN2 c.7912G>A variant is predicted to result in the amino acid substitution p.Gly2638Ser. To our knowledge, this variant has not been reported in the literature. This variant is reported in 0.0098% of alleles in individuals of South Asian descent in gnomAD. At this time, the clinical significance of this variant is uncertain due to the absence of conclusive functional and genetic evidence.